The following is an entry in ClinVar:

NM_024642.5(GALNT12):c.1119C>T (p.Arg373=)

Gene: GALNT12 (polypeptide N-acetylgalactosaminyltransferase 12; plus strand). Cytogenetic location: 9q22.33.
Variant type: single nucleotide variant.
Coding change: c.1119C>T on transcript NM_024642.5 (MANE Select); coding-DNA position 1119, C replaced by T.
Protein change: p.Arg373=; no amino-acid change (arginine 373 retained).
Molecular consequence: synonymous variant.
Genome position (GRCh38, 1-based): chr9:98,837,055, C>T. VCF-style: chr9-98837055-C-T. GRCh37 (hg19) VCF-style: chr9-101599337-C-T.
Other names: c.1119C>T (NM_024642.4).
Identifiers: ClinVar variation 1104303 (VCV001104303.11), dbSNP rs1836170608, ClinGen allele CA466425037.

ClinVar aggregate classification (germline): Conflicting classifications of pathogenicity. Review status: criteria provided, conflicting classifications (1 of 4 stars). 3 submissions from 3 submitters: Uncertain significance (1); Benign (1); Likely benign (1). Last evaluated 2026-04-27.

Conditions:
Colorectal cancer, susceptibility to, 1. Also called: COLORECTAL ADENOMA AND CANCER, SUSCEPTIBILITY TO; COLORECTAL CANCER, SUSCEPTIBILITY TO, ON CHROMOSOME 9. Identifiers: MedGen C1837315, MONDO:0012132, OMIM 608812.

Allele frequency attached by ClinVar (database versions not stated): TOPMed below 0.00001.

Submissions (3):

Myriad Genetics, Inc.
Classification: Benign for Colorectal cancer, susceptibility to, 1. Last evaluated: 2026-04-27. Review status: criteria provided, single submitter. Criteria: Myriad Autosomal Dominant, Autosomal Recessive and X-Linked Classification Criteria (2023). Collection method: clinical testing. Allele origin: unknown.
Comment: This variant is considered benign. This variant is a silent/synonymous amino acid change and it is not expected to impact splicing.

Labcorp Genetics (formerly Invitae), Labcorp
Classification: Likely benign. Last evaluated: 2024-05-21. Review status: criteria provided, single submitter. Criteria: Invitae Variant Classification Sherloc (09022015). Collection method: clinical testing. Allele origin: germline.

Ambry Genetics
Classification: Uncertain significance. Last evaluated: 2023-09-01. Review status: criteria provided, single submitter. Criteria: Ambry Variant Classification Scheme 2023. Collection method: clinical testing. Allele origin: germline.
Comment: The c.1119C>T variant (also known as p.R373R), located in coding exon 6 of the GALNT12 gene, results from a C to T substitution at nucleotide position 1119. This nucleotide substitution does not change the arginine at codon 373. This nucleotide position is poorly conserved in available vertebrate species. In silico splice site analysis for this alteration is inconclusive. The evidence for this gene-disease relationship is limited; therefore, the clinical significance of this alteration is unclear.